The following is an entry in ClinVar:

NM_014499.4(P2RY10):c.420G>A (p.Arg140=)

Gene: P2RY10 (P2Y receptor family member 10; plus strand). Cytogenetic location: Xq21.1.
Variant type: single nucleotide variant.
Coding change: c.420G>A on transcript NM_014499.4 (MANE Select); coding-DNA position 420, G replaced by A.
Protein change: p.Arg140=; no amino-acid change (arginine 140 retained).
Molecular consequence: synonymous variant.
Genome position (GRCh38, 1-based): chrX:78,960,940, G>A. VCF-style: chrX-78960940-G-A. GRCh37 (hg19) VCF-style: chrX-78216437-G-A.
Other names: c.420G>A, p.Arg140= (NM_001324218.2, NM_198333.3); c.471G>A, p.Arg157= (NM_001324221.2); c.495G>A, p.Arg165= (NM_001324225.2).
Identifiers: ClinVar variation 2660973 (VCV002660973.24), dbSNP rs2520122327, ClinGen allele CA517475614.

ClinVar aggregate classification (germline): Likely benign (1 of 4 stars; one submission).

Allele frequency attached by ClinVar (database versions not stated): gnomAD exomes below 0.00001.
gnomAD v4.1: 4 of 1,211,161 alleles (0.00033%); highest among the groups gnomAD compares: Middle Eastern, 0.092%; no homozygotes.

Submission:

CeGaT Center for Human Genetics Tuebingen
Classification: Likely benign. Last evaluated: 2022-11-01. Review status: criteria provided, single submitter. Criteria: CeGaT Center For Human Genetics Tuebingen Variant Classification Criteria Version 2. Collection method: clinical testing. Allele origin: germline. Affected: yes. Observed: 1 variant allele.
Comment: P2RY10: PM2:Supporting, BP4, BP7